The following is an entry in ClinVar:

ClinVar aggregate classification (germline): Uncertain significance (1 of 4 stars; one submission).

gnomAD v4.1: 26 of 1,613,848 alleles (0.0016%); highest among the groups gnomAD compares: Middle Eastern, 0.016%; no homozygotes.

Submission:

Labcorp Genetics (formerly Invitae), Labcorp
Classification: Uncertain significance. Last evaluated: 2024-06-20. Review status: criteria provided, single submitter. Criteria: Invitae Variant Classification Sherloc (09022015). Collection method: clinical testing. Allele origin: germline.
Comment: This sequence change replaces arginine, which is basic and polar, with histidine, which is basic and polar, at codon 1411 of the DSCAML1 protein (p.Arg1411His). This variant is present in population databases (rs763329451, gnomAD 0.006%). This variant has not been reported in the literature in individuals affected with DSCAML1-related conditions. An algorithm developed to predict the effect of missense changes on protein structure and function (PolyPhen-2) suggests that this variant is likely to be disruptive. In summary, the available evidence is currently insufficient to determine the role of this variant in disease. Therefore, it has been classified as a Variant of Uncertain Significance.

NM_020693.4(DSCAML1):c.4052G>A (p.Arg1351His)

Gene: DSCAML1 (DS cell adhesion molecule like 1; minus strand). Cytogenetic location: 11q23.3.
Variant type: single nucleotide variant.
Coding change: c.4052G>A on transcript NM_020693.4 (MANE Select); coding-DNA position 4052, G replaced by A.
Protein change: p.Arg1351His; replaces arginine 1351 with histidine.
Molecular consequence: missense variant.
Genome position (GRCh38, 1-based): chr11:117,439,358, C>T on the plus strand (G>A on the coding strand, the complement: DSCAML1 is on the minus strand). VCF-style: chr11-117439358-C-T. GRCh37 (hg19) VCF-style: chr11-117310074-C-T.
Other names: short protein forms R1351H.
Identifiers: ClinVar variation 3716663 (VCV003716663.2).